The following is an entry in ClinVar:

ClinVar aggregate classification (germline): Pathogenic (1 of 4 stars; one submission).

Conditions:
Autoimmune lymphoproliferative syndrome type 2B. Also called: AUTOIMMUNE LYMPHOPROLIFERATIVE SYNDROME, TYPE IIB. Identifiers: Orphanet 275517, MedGen C1846545, MONDO:0011804, OMIM 607271.

Submission:

Labcorp Genetics (formerly Invitae), Labcorp
Classification: Pathogenic for Autoimmune lymphoproliferative syndrome type 2B. Last evaluated: 2023-07-10. Review status: criteria provided, single submitter. Criteria: Invitae Variant Classification Sherloc (09022015). Collection method: clinical testing. Allele origin: germline.
Comment: For these reasons, this variant has been classified as Pathogenic. ClinVar contains an entry for this variant (Variation ID: 2186059). This variant has not been reported in the literature in individuals affected with CASP8-related conditions. This variant is present in population databases (no rsID available, gnomAD 0.0009%). This sequence change creates a premature translational stop signal (p.Gln346Thrfs*7) in the CASP8 gene. It is expected to result in an absent or disrupted protein product. Loss-of-function variants in CASP8 are known to be pathogenic (PMID: 12353035, 25814141).

Literature cited by the submitters: PubMed 12353035; PubMed 25814141.

NM_001372051.1(CASP8):c.983dup (p.Gln329fs)

Gene: CASP8 (caspase 8; plus strand). Cytogenetic location: 2q33.1.
Variant type: Duplication.
Coding change: c.983dup on transcript NM_001372051.1 (MANE Select); coding-DNA position 983, one base duplicated (G; older notation c.983dupG).
Protein change: p.Gln329fs; shifts the reading frame from glutamine 329.
Molecular consequence: frameshift variant. On other transcripts: non-coding transcript variant (22), intron variant (1).
Genome position (GRCh38, 1-based): chr2:201,284,996, G duplicated; the last of 2 consecutive G bases (chr2:201,284,995-201,284,996); duplicating either gives the same sequence. VCF-style (leftmost placement, unchanged base first): chr2-201284994-T-TG. GRCh37 (hg19) VCF-style: chr2-202149717-T-TG.
Other names: c.938dup, p.Gln314fs (NM_001080124.2, NM_001400658.1, NM_001400659.1 and 5 more transcripts); c.1160dup, p.Gln388fs (NM_001080125.2); c.1034dup, p.Gln346Thrfs (NM_001228.5); c.1115dup, p.Gln373fs (NM_001400642.1); c.1016dup, p.Gln340fs (NM_001400645.1); c.983dup, p.Gln329fs (NM_001400648.1, NM_001400651.1, NM_001400653.1 and 4 more transcripts); c.914dup, p.Gln306fs (NM_001400664.1); c.908dup, p.Gln304fs (NM_001400665.1); and 8 more; short protein forms Q130fs, Q226fs, Q245fs, Q314fs, Q373fs, Q124fs, Q260fs, Q346fs.
Identifiers: ClinVar variation 2186059 (VCV002186059.4), dbSNP rs1559374786, ClinGen allele CA539386241.